The following is an entry in ClinVar:

ClinVar aggregate classification (germline): Uncertain significance (1 of 4 stars; one submission).

Submission:

GeneDx
Classification: Uncertain significance. Last evaluated: 2024-03-31. Review status: criteria provided, single submitter. Criteria: GeneDx Variant Classification Process June 2021. Collection method: clinical testing. Allele origin: germline. Affected: yes.
Comment: Not observed at significant frequency in large population cohorts (gnomAD); In silico analysis supports that this missense variant does not alter protein structure/function; Has not been previously published as pathogenic or benign to our knowledge

NM_198994.3(TGM6):c.1723G>C (p.Asp575His)

Gene: TGM6 (transglutaminase 6; plus strand). Cytogenetic location: 20p13.
Variant type: single nucleotide variant.
Coding change: c.1723G>C on transcript NM_198994.3 (MANE Select); coding-DNA position 1723, G replaced by C.
Protein change: p.Asp575His; replaces aspartic acid 575 with histidine.
Molecular consequence: missense variant.
Genome position (GRCh38, 1-based): chr20:2,430,490, G>C. VCF-style: chr20-2430490-G-C. GRCh37 (hg19) VCF-style: chr20-2411136-G-C.
Other names: c.1723G>C, p.Asp575His (NM_001254734.2); short protein forms D575H.
Identifiers: ClinVar variation 3371890 (VCV003371890.1).